The following is an entry in ClinVar:

NM_001042492.3(NF1):c.1863C>T (p.Ser621=)

Gene: NF1 (neurofibromin 1; plus strand). Cytogenetic location: 17q11.2.
Variant type: single nucleotide variant.
Coding change: c.1863C>T on transcript NM_001042492.3 (MANE Select); coding-DNA position 1863, C replaced by T.
Protein change: p.Ser621=; no amino-acid change (serine 621 retained).
Molecular consequence: synonymous variant.
Genome position (GRCh38, 1-based): chr17:31,225,112, C>T. VCF-style: chr17-31225112-C-T. GRCh37 (hg19) VCF-style: chr17-29552130-C-T.
Other names: c.1863C>T, p.Ser621= (NM_000267.4).
Identifiers: ClinVar variation 4860874 (VCV004860874.1).

ClinVar aggregate classification (germline): Uncertain significance (1 of 4 stars; one submission).

Conditions:
Cardiovascular phenotype. Identifiers: MedGen CN230736.
Hereditary cancer-predisposing syndrome. Also called: Neoplastic Syndromes, Hereditary; Tumor predisposition; Hereditary Cancer Syndrome; Hereditary neoplastic syndrome. Identifiers: Orphanet 140162, MedGen C0027672, MeSH D009386, MONDO:0015356.

Submission:

Ambry Genetics
Classification: Uncertain significance for Cardiovascular phenotype; Hereditary cancer-predisposing syndrome. Last evaluated: 2026-04-02. Review status: criteria provided, single submitter. Criteria: Ambry Variant Classification Scheme 2023. Collection method: clinical testing. Allele origin: germline.
Comment: The c.1863C>T variant (also known as p.S621S), located in coding exon 17 of the NF1 gene, results from a C to T substitution at nucleotide position 1863. This nucleotide substitution does not change the serine at codon 621. This nucleotide position is well conserved in available vertebrate species. In silico splice site analysis predicts that this alteration may result in the creation or strengthening of a novel splice acceptor site; however, direct evidence is insufficient at this time (Ambry internal data). Based on the available evidence, the clinical significance of this variant remains unclear.